The following is an entry in ClinVar:

NM_001197104.2(KMT2A):c.9848G>T (p.Arg3283Leu)

Gene: KMT2A (lysine methyltransferase 2A; plus strand). Cytogenetic location: 11q23.3.
Variant type: single nucleotide variant.
Coding change: c.9848G>T on transcript NM_001197104.2 (MANE Select); coding-DNA position 9848, G replaced by T.
Protein change: p.Arg3283Leu; replaces arginine 3283 with leucine.
Molecular consequence: missense variant.
Genome position (GRCh38, 1-based): chr11:118,505,740, G>T. VCF-style: chr11-118505740-G-T. GRCh37 (hg19) VCF-style: chr11-118376455-G-T.
Other names: c.9938G>T, p.Arg3313Leu (NM_001412597.1); c.9839G>T, p.Arg3280Leu (NM_005933.4); short protein forms R3283L, R3313L, R3280L.
Identifiers: ClinVar variation 2080272 (VCV002080272.5), dbSNP rs781886946, ClinGen allele CA6304646.

ClinVar aggregate classification (germline): Conflicting classifications of pathogenicity. Review status: criteria provided, conflicting classifications (1 of 4 stars). 2 submissions from 2 submitters: Uncertain significance (1); Likely benign (1). Last evaluated 2025-06-02.

Conditions:
Inborn genetic diseases. Identifiers: MedGen C0950123, MeSH D030342.

gnomAD v4.1: 7 of 1,613,886 alleles (0.00043%); highest among the groups gnomAD compares: Admixed American, 0.01%; no homozygotes.

Submissions (2):

Labcorp Genetics (formerly Invitae), Labcorp
Classification: Uncertain significance. Last evaluated: 2025-06-02. Review status: criteria provided, single submitter. Criteria: Invitae Variant Classification Sherloc (09022015). Collection method: clinical testing. Allele origin: germline.
Comment: This sequence change replaces arginine, which is basic and polar, with leucine, which is neutral and non-polar, at codon 3283 of the KMT2A protein (p.Arg3283Leu). This variant is present in population databases (rs781886946, gnomAD 0.01%). This variant has not been reported in the literature in individuals affected with KMT2A-related conditions. ClinVar contains an entry for this variant (Variation ID: 2080272). Invitae Evidence Modeling of protein sequence and biophysical properties (such as structural, functional, and spatial information, amino acid conservation, physicochemical variation, residue mobility, and thermodynamic stability) has been performed for this missense variant. However, the output from this modeling did not meet the statistical confidence thresholds required to predict the impact of this variant on KMT2A protein function. In summary, the available evidence is currently insufficient to determine the role of this variant in disease. Therefore, it has been classified as a Variant of Uncertain Significance.

Ambry Genetics
Classification: Likely benign for Inborn genetic diseases. Last evaluated: 2021-10-26. Review status: criteria provided, single submitter. Criteria: Ambry Variant Classification Scheme 2023. Collection method: clinical testing. Allele origin: germline.